The following is an entry in ClinVar:

NM_016120.4(RLIM):c.339A>C (p.Arg113Ser)

Gene: RLIM (ring finger protein, LIM domain interacting; minus strand). Cytogenetic location: Xq13.2.
Variant type: single nucleotide variant.
Coding change: c.339A>C on transcript NM_016120.4 (MANE Select); coding-DNA position 339, A replaced by C.
Protein change: p.Arg113Ser; replaces arginine 113 with serine.
Molecular consequence: missense variant.
Genome position (GRCh38, 1-based): chrX:74,592,976, T>G on the plus strand (A>C on the coding strand, the complement: RLIM is on the minus strand). VCF-style: chrX-74592976-T-G. GRCh37 (hg19) VCF-style: chrX-73812811-T-G.
Other names: c.339A>C, p.Arg113Ser (NM_183353.3); short protein forms R113S.
Identifiers: ClinVar variation 3901758 (VCV003901758.1).
Genomic context (GRCh38, chrX:74,592,976, plus strand): 5'-ACCACTGTTTGGATTAGTCCGACTCACTGCTCTCCAAGATTGGTTTCCTCTTTGCCCACT[T>G]CTTGTTGTATTTCCAGTTTGTCTGACAGAGTTAAGCCAGTCTATTATAGAGTCACCATTA-3'
Protein context (NP_057204.2, residues 103-123): NSVRQTGNTT[Arg113Ser]SGQRGNQSWR

ClinVar aggregate classification (germline): Uncertain significance (1 of 4 stars; one submission).

Submission:

GeneDx
Classification: Uncertain significance. Last evaluated: 2024-12-04. Review status: criteria provided, single submitter. Criteria: GeneDx Variant Classification Process June 2021. Collection method: clinical testing. Allele origin: germline. Affected: yes.
Comment: Not observed at significant frequency in large population cohorts (gnomAD); In silico analysis supports that this missense variant has a deleterious effect on protein structure/function; Has not been previously published as pathogenic or benign to our knowledge